The following is an entry in ClinVar:

NM_015355.4(SUZ12):c.274+899C>T

Gene: SUZ12 (SUZ12 polycomb repressive complex 2 subunit; plus strand). Cytogenetic location: 17q11.2.
Variant type: single nucleotide variant.
Coding change: c.274+899C>T on transcript NM_015355.4 (MANE Select); 899 bases into the intron after coding-DNA position 274, C replaced by T.
Molecular consequence: intron variant.
Genome position (GRCh38, 1-based): chr17:31,938,419, C>T. VCF-style: chr17-31938419-C-T. GRCh37 (hg19) VCF-style: chr17-30265438-C-T.
Other names: c.274+899C>T (NM_001321207.2).
Identifiers: ClinVar variation 2647647 (VCV002647647.24), dbSNP rs142153673, ClinGen allele CA289421978.

ClinVar aggregate classification (germline): Likely benign (1 of 4 stars; one submission).

Allele frequency attached by ClinVar (database versions not stated): 1000 Genomes Project 30x 0.00078; 1000 Genomes Project 0.00100; TOPMed 0.00234; gnomAD 0.00247.
gnomAD v4.1: 373 of 152,314 alleles (0.24%); highest among the groups gnomAD compares: Non-Finnish European, 0.46%; 2 homozygotes.

Submission:

CeGaT Center for Human Genetics Tuebingen
Classification: Likely benign. Last evaluated: 2025-12-01. Review status: criteria provided, single submitter. Criteria: CeGaT Center For Human Genetics Tuebingen Variant Classification Criteria Version 2. Collection method: clinical testing. Allele origin: germline. Affected: yes. Observed: 9 variant alleles.
Comment: SUZ12: BS1